The following is an entry in ClinVar:

NM_001042492.3(NF1):c.6523G>A (p.Val2175Ile)

Gene: NF1 (neurofibromin 1; plus strand). Cytogenetic location: 17q11.2.
Variant type: single nucleotide variant.
Coding change: c.6523G>A on transcript NM_001042492.3 (MANE Select); coding-DNA position 6523, G replaced by A.
Protein change: p.Val2175Ile; replaces valine 2175 with isoleucine.
Molecular consequence: missense variant.
Genome position (GRCh38, 1-based): chr17:31,337,463, G>A. VCF-style: chr17-31337463-G-A. GRCh37 (hg19) VCF-style: chr17-29664481-G-A.
Other names: c.6460G>A, p.Val2154Ile (NM_000267.4); short protein forms V2175I, V2154I.
Identifiers: ClinVar variation 1753655 (VCV001753655.2), dbSNP rs1454821167, ClinGen allele CA399013198.

ClinVar aggregate classification (germline): Uncertain significance (1 of 4 stars; one submission).

Conditions:
Cardiovascular phenotype. Identifiers: MedGen CN230736.
Hereditary cancer-predisposing syndrome. Also called: Neoplastic Syndromes, Hereditary; Tumor predisposition; Hereditary Cancer Syndrome; Hereditary neoplastic syndrome. Identifiers: Orphanet 140162, MedGen C0027672, MeSH D009386, MONDO:0015356.

Submission:

Ambry Genetics
Classification: Uncertain significance for Cardiovascular phenotype; Hereditary cancer-predisposing syndrome. Last evaluated: 2022-07-06. Review status: criteria provided, single submitter. Criteria: Ambry Variant Classification Scheme 2023. Collection method: clinical testing. Allele origin: germline.
Comment: The p.V2154I variant (also known as c.6460G>A), located in coding exon 42 of the NF1 gene, results from a G to A substitution at nucleotide position 6460. The valine at codon 2154 is replaced by isoleucine, an amino acid with highly similar properties. This amino acid position is highly conserved in available vertebrate species. In addition, the in silico prediction for this alteration is inconclusive. Since supporting evidence is limited at this time, the clinical significance of this alteration remains unclear.